The following is an entry in ClinVar:

ClinVar aggregate classification (germline): Uncertain significance (1 of 4 stars; one submission).

Conditions:
Congenital myopathy with fiber type disproportion. Also called: Congenital fiber-type disproportion myopathy; Congenital fiber-type disproportion. Identifiers: Orphanet 2020, MedGen C0546264, MONDO:0009711. Inheritance: all.
Congenital myopathy 4B, autosomal recessive. Also called: Nemaline myopathy 1, autosomal dominant or recessive. Identifiers: Orphanet 171433, Orphanet 171439, Orphanet 171881, MedGen C5829889, MONDO:0012239, OMIM 609284.

Submission:

Labcorp Genetics (formerly Invitae), Labcorp
Classification: Uncertain significance for Congenital myopathy with fiber type disproportion; Congenital myopathy 4B, autosomal recessive. Last evaluated: 2025-10-23. Review status: criteria provided, single submitter. Criteria: Invitae Variant Classification Sherloc (09022015). Collection method: clinical testing. Allele origin: germline.
Comment: This sequence change replaces glutamic acid, which is acidic and polar, with aspartic acid, which is acidic and polar, at codon 43 of the TPM3 protein (p.Glu43Asp). This variant is not present in population databases (gnomAD no frequency). This variant has not been reported in the literature in individuals affected with TPM3-related conditions. Invitae Evidence Modeling of protein sequence and biophysical properties (such as structural, functional, and spatial information, amino acid conservation, physicochemical variation, residue mobility, and thermodynamic stability) indicates that this missense variant is not expected to disrupt TPM3 protein function with a negative predictive value of 80%. In summary, the available evidence is currently insufficient to determine the role of this variant in disease. Therefore, it has been classified as a Variant of Uncertain Significance.

NM_152263.4(TPM3):c.129G>C (p.Glu43Asp)

Gene: TPM3 (tropomyosin 3; minus strand). Cytogenetic location: 1q21.3.
Variant type: single nucleotide variant.
Coding change: c.129G>C on transcript NM_152263.4 (MANE Select); coding-DNA position 129, G replaced by C.
Protein change: p.Glu43Asp; replaces glutamic acid 43 with aspartic acid.
Molecular consequence: missense variant. On other transcripts: non-coding transcript variant (1).
Genome position (GRCh38, 1-based): chr1:154,191,300, C>G on the plus strand (G>C on the coding strand, the complement: TPM3 is on the minus strand). VCF-style: chr1-154191300-C-G. GRCh37 (hg19) VCF-style: chr1-154163776-C-G.
Other names: c.129G>C, p.Glu43Asp (NM_001364679.2, NM_001364680.2, NM_001364681.2 and 1 more transcripts); short protein forms E43D.
Identifiers: ClinVar variation 4782874 (VCV004782874.1).